The following is an entry in ClinVar:

ClinVar aggregate classification (germline): Uncertain significance (1 of 4 stars; one submission).

gnomAD v4.1: 1 of 1,612,662 alleles (0.000062%); highest among the groups gnomAD compares: Non-Finnish European, 0.000085%; no homozygotes.

Submission:

Labcorp Genetics (formerly Invitae), Labcorp
Classification: Uncertain significance. Last evaluated: 2024-10-02. Review status: criteria provided, single submitter. Criteria: Invitae Variant Classification Sherloc (09022015). Collection method: clinical testing. Allele origin: germline.
Comment: This sequence change replaces lysine, which is basic and polar, with arginine, which is basic and polar, at codon 410 of the ATRN protein (p.Lys410Arg). This variant is not present in population databases (gnomAD no frequency). This variant has not been reported in the literature in individuals affected with ATRN-related conditions. An algorithm developed to predict the effect of missense changes on protein structure and function (PolyPhen-2) suggests that this variant is likely to be tolerated. In summary, the available evidence is currently insufficient to determine the role of this variant in disease. Therefore, it has been classified as a Variant of Uncertain Significance.

NM_139321.3(ATRN):c.1229A>G (p.Lys410Arg)

Gene: ATRN (attractin; plus strand). Cytogenetic location: 20p13.
Variant type: single nucleotide variant.
Coding change: c.1229A>G on transcript NM_139321.3 (MANE Select); coding-DNA position 1229, A replaced by G.
Protein change: p.Lys410Arg; replaces lysine 410 with arginine.
Molecular consequence: missense variant.
Genome position (GRCh38, 1-based): chr20:3,560,687, A>G. VCF-style: chr20-3560687-A-G. GRCh37 (hg19) VCF-style: chr20-3541334-A-G.
Other names: c.881A>G, p.Lys294Arg (NM_001207047.3); c.1229A>G, p.Lys410Arg (NM_001323332.2, NM_139322.4); short protein forms K294R, K410R.
Identifiers: ClinVar variation 3720028 (VCV003720028.2).
Genomic context (GRCh38, chr20:3,560,687, plus strand): 5'-TGTTTTTAAAAATTTTGTTTGCATTTTTTTCCTAGGATAAAATTTACATGTATGGAGGAA[A>G]AATTGATTCAACTGGGAATGTGACCAATGAGTTGAGAGTTTTTCACATTCATAATGAGTC-3'
Protein context (NP_647537.1, residues 400-420): YKDKIYMYGG[Lys410Arg]IDSTGNVTNE